The following is an entry in ClinVar:

ClinVar aggregate classification (germline): Uncertain significance (1 of 4 stars; one submission).

Submission:

GeneDx
Classification: Uncertain significance. Last evaluated: 2017-06-29. Review status: criteria provided, single submitter. Criteria: GeneDx Variant Classification (06012015). Collection method: clinical testing. Allele origin: germline. Affected: yes.
Comment: The H204D variant in the LRP2 gene has not been reported previously as a pathogenic variant, nor as a benign variant, to our knowledge. The H204D variant is not observed in large population cohorts (Lek et al., 2016; 1000 Genomes Consortium et al., 2015; Exome Variant Server). The H204D variant is a non-conservative amino acid substitution, which is likely to impact secondary protein structure as these residues differ in polarity, charge, size and/or other properties. This substitution occurs at a position where amino acids with similar properties to Histidine are tolerated across species. In silico analysis predicts this variant is probably damaging to the protein structure/function. We interpret H204D as a variant of uncertain significance.

NM_004525.3(LRP2):c.610C>G (p.His204Asp)

Gene: LRP2 (LDL receptor related protein 2; minus strand). Cytogenetic location: 2q31.1.
Variant type: single nucleotide variant.
Coding change: c.610C>G on transcript NM_004525.3 (MANE Select); coding-DNA position 610, C replaced by G.
Protein change: p.His204Asp; replaces histidine 204 with aspartic acid.
Molecular consequence: missense variant.
Genome position (GRCh38, 1-based): chr2:169,294,190, G>C on the plus strand (C>G on the coding strand, the complement: LRP2 is on the minus strand). VCF-style: chr2-169294190-G-C. GRCh37 (hg19) VCF-style: chr2-170150700-G-C.
Other names: short protein forms H204D.
Identifiers: ClinVar variation 450057 (VCV000450057.2), dbSNP rs1553510020, ClinGen allele CA349162441.